The following is an entry in ClinVar:

ClinVar aggregate classification (germline): Uncertain significance (1 of 4 stars; one submission).

Conditions:
Catecholaminergic polymorphic ventricular tachycardia 1. Also called: VENTRICULAR TACHYCARDIA, STRESS-INDUCED POLYMORPHIC 1; VENTRICULAR TACHYCARDIA, CATECHOLAMINERGIC POLYMORPHIC, 1, WITH OR WITHOUT ATRIAL DYSFUNCTION AND/OR DILATED CARDIOMYOPATHY; RYR2-Related Catecholaminergic Polymorphic Ventricular Tachycardia. Identifiers: Orphanet 3286, MedGen C1631597, MONDO:0011484, OMIM 604772.

Submission:

Labcorp Genetics (formerly Invitae), Labcorp
Classification: Uncertain significance for Catecholaminergic polymorphic ventricular tachycardia 1. Last evaluated: 2022-12-17. Review status: criteria provided, single submitter. Criteria: Invitae Variant Classification Sherloc (09022015). Collection method: clinical testing. Allele origin: germline.
Comment: This variant is not present in population databases (gnomAD no frequency). This sequence change replaces methionine, which is neutral and non-polar, with leucine, which is neutral and non-polar, at codon 4504 of the RYR2 protein (p.Met4504Leu). This variant has not been reported in the literature in individuals affected with RYR2-related conditions. In summary, the available evidence is currently insufficient to determine the role of this variant in disease. Therefore, it has been classified as a Variant of Uncertain Significance. Advanced modeling of protein sequence and biophysical properties (such as structural, functional, and spatial information, amino acid conservation, physicochemical variation, residue mobility, and thermodynamic stability) performed at Invitae indicates that this missense variant is not expected to disrupt RYR2 protein function.

NM_001035.3(RYR2):c.13510A>C (p.Met4504Leu)

Gene: RYR2 (ryanodine receptor 2; plus strand). Cytogenetic location: 1q43.
Variant type: single nucleotide variant.
Coding change: c.13510A>C on transcript NM_001035.3 (MANE Select); coding-DNA position 13510, A replaced by C.
Protein change: p.Met4504Leu; replaces methionine 4504 with leucine.
Molecular consequence: missense variant.
Genome position (GRCh38, 1-based): chr1:237,791,462, A>C. VCF-style: chr1-237791462-A-C. GRCh37 (hg19) VCF-style: chr1-237954762-A-C.
Other names: short protein forms M4504L.
Identifiers: ClinVar variation 2821825 (VCV002821825.3), dbSNP rs2527908287, ClinGen allele CA345417109.